The following is an entry in ClinVar:

ClinVar aggregate classification (germline): Uncertain significance (1 of 4 stars; one submission).

gnomAD v4.1: 4 of 1,614,196 alleles (0.00025%); highest among the groups gnomAD compares: Admixed American, 0.005%; no homozygotes.

Submission:

Labcorp Genetics (formerly Invitae), Labcorp
Classification: Uncertain significance. Last evaluated: 2025-12-30. Review status: criteria provided, single submitter. Criteria: Invitae Variant Classification Sherloc (09022015). Collection method: clinical testing. Allele origin: germline.
Comment: This sequence change replaces glutamine, which is neutral and polar, with arginine, which is basic and polar, at codon 1948 of the TECTA protein (p.Gln1948Arg). This variant is present in population databases (no rsID available, gnomAD 0.006%). This variant has not been reported in the literature in individuals affected with TECTA-related conditions. Invitae Evidence Modeling of protein sequence and biophysical properties (such as structural, functional, and spatial information, amino acid conservation, physicochemical variation, residue mobility, and thermodynamic stability) indicates that this missense variant is not expected to disrupt TECTA protein function with a negative predictive value of 95%. In summary, the available evidence is currently insufficient to determine the role of this variant in disease. Therefore, it has been classified as a Variant of Uncertain Significance.

NM_005422.4(TECTA):c.5843A>G (p.Gln1948Arg)

Genes: TBCEL-TECTA (TBCEL-TECTA readthrough; plus strand), TECTA (tectorin alpha; plus strand). Cytogenetic location: 11q23.3.
Variant type: single nucleotide variant.
Coding change: c.5843A>G on transcript NM_005422.4 (MANE Select); coding-DNA position 5843, A replaced by G.
Protein change: p.Gln1948Arg; replaces glutamine 1948 with arginine.
Molecular consequence: missense variant.
Genome position (GRCh38, 1-based): chr11:121,168,769, A>G. VCF-style: chr11-121168769-A-G. GRCh37 (hg19) VCF-style: chr11-121039478-A-G.
Other names: c.6785A>G, p.Gln2262Arg (NM_001378761.1); short protein forms Q1948R, Q2262R.
Identifiers: ClinVar variation 4750159 (VCV004750159.1).